The following is an entry in ClinVar:

NM_024642.5(GALNT12):c.1212+3G>C

Gene: GALNT12 (polypeptide N-acetylgalactosaminyltransferase 12; plus strand). Cytogenetic location: 9q22.33.
Variant type: single nucleotide variant.
Coding change: c.1212+3G>C on transcript NM_024642.5 (MANE Select); 3 bases into the intron after coding-DNA position 1212, G replaced by C.
Molecular consequence: intron variant.
Genome position (GRCh38, 1-based): chr9:98,837,151, G>C. VCF-style: chr9-98837151-G-C. GRCh37 (hg19) VCF-style: chr9-101599433-G-C.
Identifiers: ClinVar variation 3618878 (VCV003618878.2).
Genomic context (GRCh38, chr9:98,837,151, plus strand): 5'-AGTATGGATGGATGAATTTAAAGAGCTCTACTACCATCGCAACCCCCGTGCCCGCTTGGT[G>C]AGTTCCTCGGCCCACCTGCACTCCATCTGGCTTCATCTGAACAACAGCAGCTAATCGTGG-3'

ClinVar aggregate classification (germline): Uncertain significance (1 of 4 stars; one submission).

gnomAD v4.1: 1 of 1,614,044 alleles (0.000062%); highest among the groups gnomAD compares: Non-Finnish European, 0.000085%; no homozygotes.

Submission:

Labcorp Genetics (formerly Invitae), Labcorp
Classification: Uncertain significance. Last evaluated: 2024-04-24. Review status: criteria provided, single submitter. Criteria: Invitae Variant Classification Sherloc (09022015). Collection method: clinical testing. Allele origin: germline.
Comment: This sequence change falls in intron 6 of the GALNT12 gene. It does not directly change the encoded amino acid sequence of the GALNT12 protein. It affects a nucleotide within the consensus splice site. This variant is not present in population databases (gnomAD no frequency). This variant has not been reported in the literature in individuals affected with GALNT12-related conditions. Variants that disrupt the consensus splice site are a relatively common cause of aberrant splicing (PMID: 17576681, 9536098). Algorithms developed to predict the effect of sequence changes on RNA splicing suggest that this variant may disrupt the consensus splice site. In summary, the available evidence is currently insufficient to determine the role of this variant in disease. Therefore, it has been classified as a Variant of Uncertain Significance.

Literature cited by the submitters: PubMed 17576681; PubMed 9536098.